The following is an entry in ClinVar:

NM_058238.3(WNT7B):c.562G>A (p.Gly188Ser)

Gene: WNT7B (Wnt family member 7B; minus strand). Cytogenetic location: 22q13.31.
Variant type: single nucleotide variant.
Coding change: c.562G>A on transcript NM_058238.3 (MANE Select); coding-DNA position 562, G replaced by A.
Protein change: p.Gly188Ser; replaces glycine 188 with serine.
Molecular consequence: missense variant.
Genome position (GRCh38, 1-based): chr22:45,931,106, C>T on the plus strand (G>A on the coding strand, the complement: WNT7B is on the minus strand). VCF-style: chr22-45931106-C-T. GRCh37 (hg19) VCF-style: chr22-46326986-C-T.
Other names: short protein forms G188S.
Identifiers: ClinVar variation 1299462 (VCV001299462.4), dbSNP rs1158594747, ClinGen allele CA411901516.
Genomic context (GRCh38, chr22:45,931,106, plus strand): 5'-GGTGATACAGCGGTCCCAGCTACGGCCCCCACCAGCCGCACCCGCACCCTACCTTCCTGC[C>T]GGCCTCATTGTTATGCAGGTTCATGAGGCGCCGCGCGTTCTTCTTGATCTCCCGAGCGTC-3'
Protein context (NP_478679.1, residues 178-198): RLMNLHNNEA[Gly188Ser]RKVLEDRMQL

ClinVar aggregate classification (germline): Pathogenic (0 of 4 stars; one submission).

Conditions:
Microphthalmia, syndromic 9. Also called: ANOPHTHALMIA, CLINICAL, WITH MILD FACIAL DYSMORPHISM AND VARIABLE MALFORMATIONS OF THE LUNG, HEART, AND DIAPHRAGM; ANOPHTHALMIA/MICROPHTHALMIA AND PULMONARY HYPOPLASIA; PULMONARY AGENESIS, MICROPHTHALMIA, AND DIAPHRAGMATIC DEFECT; SPEAR SYNDROME; Matthew-Wood syndrome. Identifiers: Orphanet 2470, MedGen C1832661, MONDO:0011010, OMIM 601186.

Allele frequency attached by ClinVar (database versions not stated): gnomAD exomes below 0.00001; gnomAD 0.00001.
gnomAD v4.1: 10 of 1,576,856 alleles (0.00063%); highest among the groups gnomAD compares: South Asian, 0.0011%; no homozygotes.

Submission:

Hôpital Purpan
Classification: Pathogenic for Microphthalmia, syndromic 9. Last evaluated: 2021-10-06. Review status: no assertion criteria provided. Collection method: research, in vitro. Allele origin: inherited, not applicable. Inheritance: Autosomal recessive inheritance. Affected: yes. Observed: 1 compound heterozygote. Functional consequence: Decreased function.
Comment: Rare in general population (present only once among 232162 alleles in GnomAD) Predicted deleterious by 11/12 predictions softwares In trans with a nonsens variation In vitro functional studies demonstrated the effect on the protein function